The following is an entry in ClinVar:

NM_032638.5(GATA2):c.7G>A (p.Val3Met)

Gene: GATA2 (GATA binding protein 2; minus strand). Cytogenetic location: 3q21.3.
Variant type: single nucleotide variant.
Coding change: c.7G>A on transcript NM_032638.5 (MANE Select); coding-DNA position 7, G replaced by A.
Protein change: p.Val3Met; replaces valine 3 with methionine.
Molecular consequence: missense variant.
Genome position (GRCh38, 1-based): chr3:128,487,025, C>T on the plus strand (G>A on the coding strand, the complement: GATA2 is on the minus strand). VCF-style: chr3-128487025-C-T. GRCh37 (hg19) VCF-style: chr3-128205868-C-T.
Other names: c.7G>A, p.Val3Met (NM_001145661.2, NM_001145662.1); short protein forms V3M.
Identifiers: ClinVar variation 1525937 (VCV001525937.8), dbSNP rs2107673805, ClinGen allele CA354409346.
Genomic context (GRCh38, chr3:128,487,025, plus strand): 5'-CGGGGTGCTGCGCATTCAGCACGGCCGGGTGCGCCATCCAGCGCGGCTGCTCGGGCGCCA[C>T]CTCCATGGCCGGCGGCGGCGGCTCAGGGTCTGGGTGCAGACGGCAACGGCCCTGCGCGAG-3'
Protein context (NP_116027.2, residues 1-13): ME[Val3Met]APEQPRWMAH

ClinVar aggregate classification (germline): Uncertain significance (1 of 4 stars; one submission).

Conditions:
Deafness-lymphedema-leukemia syndrome. Also called: Lymphedema, primary, with myelodysplasia; Emberger syndrome. Identifiers: Orphanet 3226, MedGen C3279664, MONDO:0013540, OMIM 614038.
Monocytopenia with susceptibility to infections. Also called: MONOCYTOPENIA AND MYCOBACTERIAL INFECTION SYNDROME; MONOCYTOPENIA WITH SUSCEPTIBILITY TO MYCOBACTERIAL, FUNGAL, AND PAPILLOMAVIRUS INFECTIONS AND MYELODYSPLASIA; COMBINED IMMUNODEFICIENCY WITH SUSCEPTIBILITY TO MYCOBACTERIAL, VIRAL, AND FUNGAL INFECTIONS; Dendritic cell, monocyte, B lymphocyte, and natural killer lymphocyte deficiency; IMMUNODEFICIENCY 21; GATA2 DEFICIENCY. Identifiers: Orphanet 228423, MedGen C3280030, MONDO:0013607, OMIM 614172.

Submission:

Labcorp Genetics (formerly Invitae), Labcorp
Classification: Uncertain significance for Monocytopenia with susceptibility to infections; Deafness-lymphedema-leukemia syndrome. Last evaluated: 2023-03-09. Review status: criteria provided, single submitter. Criteria: Invitae Variant Classification Sherloc (09022015). Collection method: clinical testing. Allele origin: germline.
Comment: In summary, the available evidence is currently insufficient to determine the role of this variant in disease. Therefore, it has been classified as a Variant of Uncertain Significance. Advanced modeling of protein sequence and biophysical properties (such as structural, functional, and spatial information, amino acid conservation, physicochemical variation, residue mobility, and thermodynamic stability) performed at Invitae indicates that this missense variant is not expected to disrupt GATA2 protein function. ClinVar contains an entry for this variant (Variation ID: 1525937). This variant has not been reported in the literature in individuals affected with GATA2-related conditions. This variant is not present in population databases (gnomAD no frequency). This sequence change replaces valine, which is neutral and non-polar, with methionine, which is neutral and non-polar, at codon 3 of the GATA2 protein (p.Val3Met).